The following is an entry in ClinVar:

ClinVar aggregate classification (germline): Pathogenic. Review status: criteria provided, multiple submitters, no conflicts (2 of 4 stars). 3 submissions from 3 submitters: Pathogenic (3). Last evaluated 2025-07-21.

Conditions:
Early-infantile DEE. Also called: Early infantile epileptic encephalopathy; Ohtahara syndrome; Early infantile epileptic encephalopathy with suppression bursts. Identifiers: Orphanet 1934, MedGen C0393706, MONDO:0800491.
Severe myoclonic epilepsy in infancy (DRVT). Also called: Epileptic encephalopathy, early infantile, 6 (Dravet syndrome); SEVERE MYOCLONIC EPILEPSY OF INFANCY; DEVELOPMENTAL AND EPILEPTIC ENCEPHALOPATHY 6A; Severe Myoclonic Epilepsy in Infancy (SMEI); Dravet syndrome. Identifiers: Orphanet 33069, MedGen C0751122, MONDO:0100135, OMIM 607208.

Submissions (3):

Labcorp Genetics (formerly Invitae), Labcorp
Classification: Pathogenic for Early-infantile DEE. Last evaluated: 2025-07-21. Review status: criteria provided, single submitter. Criteria: Invitae Variant Classification Sherloc (09022015). Collection method: clinical testing. Allele origin: germline.
Comment: This sequence change replaces serine, which is neutral and polar, with phenylalanine, which is neutral and non-polar, at codon 1471 of the SCN1A protein (p.Ser1471Phe). This variant is not present in population databases (gnomAD no frequency). This missense change has been observed in individual(s) with clinical features of SCN1A-related conditions (internal data). In at least one individual the variant was observed to be de novo. ClinVar contains an entry for this variant (Variation ID: 189976). Invitae Evidence Modeling of protein sequence and biophysical properties (such as structural, functional, and spatial information, amino acid conservation, physicochemical variation, residue mobility, and thermodynamic stability) indicates that this missense variant is expected to disrupt SCN1A protein function with a positive predictive value of 95%. For these reasons, this variant has been classified as Pathogenic.

Centre for Inherited Metabolic Diseases, Karolinska University Hospital
Classification: Pathogenic for Severe myoclonic epilepsy in infancy. Last evaluated: 2021-04-25. Review status: criteria provided, single submitter. Criteria: ACMG Guidelines, 2015. Collection method: clinical testing. Allele origin: de novo. Inheritance: Autosomal dominant inheritance. Affected: yes. Observed: 1 heterozygote.

Center for Bioinformatics, Peking University
Classification: Pathogenic for Dravet syndrome. Last evaluated: 2014-12-20. Review status: criteria provided, single submitter. Criteria: Xu et al. (Hum Mutat. 2015). Collection method: research. Allele origin: de novo. Affected: yes. Observed: 1 variant allele. Study: University Clinical Cooperation “985 Project” PKU-2014-1-1.
Comment: Dravet syndrome (DS) probands were recruited from the outpatient and inpatient child neurology units of Peking University First Hospital from 2005 till present. The study was approved by the Ethics Committee of Peking University First Hospital and the Institutional Review Board at Peking University. Participants or their parents provided written informed consent before enrollment. We collected a total of 267 mutations from 255 families with probands diagnosed with DS in China. All probands fulfilled the clinical diagnostic criteria.

NM_001165963.4(SCN1A):c.4412C>T (p.Ser1471Phe)

Genes: SCN1A (sodium voltage-gated channel alpha subunit 1; minus strand), LOC102724058 (uncharacterized LOC102724058; plus strand). Cytogenetic location: 2q24.3.
Variant type: single nucleotide variant.
Coding change: c.4412C>T on transcript NM_001165963.4 (MANE Select); coding-DNA position 4412, C replaced by T.
Protein change: p.Ser1471Phe; replaces serine 1471 with phenylalanine.
Molecular consequence: missense variant. On other transcripts: non-coding transcript variant (1).
Genome position (GRCh38, 1-based): chr2:165,998,102, G>A on the plus strand (C>T on the coding strand, the complement: SCN1A is on the minus strand). VCF-style: chr2-165998102-G-A. GRCh37 (hg19) VCF-style: chr2-166854612-G-A.
Other names: c.4328C>T, p.Ser1443Phe (NM_001165964.3, NM_001353957.2, NM_001353958.2); c.4412C>T, p.Ser1471Phe (NM_001202435.3, NM_001353948.2); c.4379C>T, p.Ser1460Phe (NM_001353949.2, NM_001353950.2, NM_001353951.2 and 2 more transcripts); c.4376C>T, p.Ser1459Phe (NM_001353954.2, NM_001353955.2); c.4325C>T, p.Ser1442Phe (NM_001353960.2); c.1970C>T, p.Ser657Phe (NM_001353961.2); short protein forms S1460F, S1471F, S657F, S1442F, S1443F, S1459F.
Identifiers: ClinVar variation 189976 (VCV000189976.8), dbSNP rs794726809, ClinGen allele CA303462.